The following is an entry in ClinVar:

ClinVar aggregate classification (germline): Likely benign (0 of 4 stars; one submission).

Conditions:
GATA4-related disorder. Also called: GATA4-related condition. Identifiers: MedGen CN860321.

Submission:

PreventionGenetics, part of Exact Sciences
Classification: Likely benign for GATA4-related condition. Last evaluated: 2024-04-17. Review status: no assertion criteria provided. Collection method: clinical testing. Allele origin: germline.
Comment: This variant is classified as likely benign based on ACMG/AMP sequence variant interpretation guidelines (Richards et al. 2015 PMID: 25741868, with internal and published modifications).

NM_001308093.3(GATA4):c.468C>G (p.Gly156=)

Gene: GATA4 (GATA binding protein 4). Cytogenetic location: 8p23.1.
Variant type: single nucleotide variant.
Coding change: c.468C>G on transcript NM_001308093.3 (MANE Select); coding-DNA position 468, C replaced by G.
Protein change: p.Gly156=; no amino-acid change (glycine 156 retained).
Molecular consequence: synonymous variant. On other transcripts: intron variant (3).
Genome position (GRCh38, 1-based): chr8:11,708,780, C>G. VCF-style: chr8-11708780-C-G. GRCh37 (hg19) VCF-style: chr8-11566289-C-G.
Other names: c.468C>G, p.Gly156= (NM_002052.5); c.-6+8002C>G (NM_001308094.2); c.-3+766C>G (NM_001374274.1); c.-3+4476C>G (NM_001374273.1).
Identifiers: ClinVar variation 3345046 (VCV003345046.1).